The following is an entry in ClinVar:

ClinVar aggregate classification (germline): Uncertain significance. Review status: criteria provided, multiple submitters, no conflicts (2 of 4 stars). 2 submissions from 2 submitters: Uncertain significance (2). Last evaluated 2025-09-28.

Conditions:
Inborn genetic diseases. Identifiers: MedGen C0950123, MeSH D030342.

gnomAD v4.1: 52 of 1,614,176 alleles (0.0032%); highest among the groups gnomAD compares: Non-Finnish European, 0.0043%; no homozygotes.

Submissions (2):

Ambry Genetics
Classification: Uncertain significance for Inborn genetic diseases. Last evaluated: 2025-09-28. Review status: criteria provided, single submitter. Criteria: Ambry Variant Classification Scheme 2023. Collection method: clinical testing. Allele origin: germline.

Labcorp Genetics (formerly Invitae), Labcorp
Classification: Uncertain significance. Last evaluated: 2024-03-10. Review status: criteria provided, single submitter. Criteria: Invitae Variant Classification Sherloc (09022015). Collection method: clinical testing. Allele origin: germline.
Comment: This sequence change replaces glutamine, which is neutral and polar, with histidine, which is basic and polar, at codon 1441 of the ATR protein (p.Gln1441His). This variant is not present in population databases (gnomAD no frequency). This variant has not been reported in the literature in individuals affected with ATR-related conditions. An algorithm developed to predict the effect of missense changes on protein structure and function (PolyPhen-2) suggests that this variant is likely to be tolerated. In summary, the available evidence is currently insufficient to determine the role of this variant in disease. Therefore, it has been classified as a Variant of Uncertain Significance.

NM_001184.4(ATR):c.4323A>T (p.Gln1441His)

Gene: ATR (ATR checkpoint kinase; minus strand). Cytogenetic location: 3q23.
Variant type: single nucleotide variant.
Coding change: c.4323A>T on transcript NM_001184.4 (MANE Select); coding-DNA position 4323, A replaced by T.
Protein change: p.Gln1441His; replaces glutamine 1441 with histidine.
Molecular consequence: missense variant.
Genome position (GRCh38, 1-based): chr3:142,519,728, T>A on the plus strand (A>T on the coding strand, the complement: ATR is on the minus strand). VCF-style: chr3-142519728-T-A. GRCh37 (hg19) VCF-style: chr3-142238570-T-A.
Other names: c.4323A>T (NM_001184.3); c.4131A>T, p.Gln1377His (NM_001354579.2); short protein forms Q1377H, Q1441H.
Identifiers: ClinVar variation 3709253 (VCV003709253.3).